The following is an entry in ClinVar:

ClinVar aggregate classification (germline): Uncertain significance (1 of 4 stars; one submission).

Conditions:
Familial thoracic aortic aneurysm and aortic dissection (TAAD). Also called: Thoracic aortic aneurysms and dissections. Identifiers: Orphanet 91387, MedGen C4707243, MONDO:0019625.

Allele frequency attached by ClinVar (database versions not stated): ExAC 0.00001; gnomAD 0.00001; gnomAD exomes 0.00001; TOPMed 0.00001.
gnomAD v4.1: 4 of 1,614,022 alleles (0.00025%); highest among the groups gnomAD compares: Non-Finnish European, 0.00034%; no homozygotes.

Submission:

Ambry Genetics
Classification: Uncertain significance for Familial thoracic aortic aneurysm and aortic dissection. Last evaluated: 2023-07-17. Review status: criteria provided, single submitter. Criteria: Ambry Variant Classification Scheme 2023. Collection method: clinical testing. Allele origin: germline.
Comment: The c.527C>T (p.P176L) alteration is located in exon 3 (coding exon 3) of the TGFB3 gene. This alteration results from a C to T substitution at nucleotide position 527, causing the proline (P) at amino acid position 176 to be replaced by a leucine (L). Based on data from gnomAD, the T allele has an overall frequency of <0.001% (1/251320) total alleles studied. The highest observed frequency was 0.001% (1/113664) of European (non-Finnish) alleles. This alteration has been reported in one individual with clinical features consistent with TGFB3-related Loeys-Dietz syndrome (Renner, 2019). This amino acid position is not well conserved in available vertebrate species. This alteration is predicted to be tolerated by in silico analysis. Based on insufficient or conflicting evidence, the clinical significance of this alteration remains unclear.

Literature cited by the submitters: PubMed 30675029.

NM_003239.5(TGFB3):c.527C>T (p.Pro176Leu)

Gene: TGFB3 (transforming growth factor beta 3; minus strand). Cytogenetic location: 14q24.3.
Variant type: single nucleotide variant.
Coding change: c.527C>T on transcript NM_003239.5 (MANE Select); coding-DNA position 527, C replaced by T.
Protein change: p.Pro176Leu; replaces proline 176 with leucine.
Molecular consequence: missense variant.
Genome position (GRCh38, 1-based): chr14:75,971,245, G>A on the plus strand (C>T on the coding strand, the complement: TGFB3 is on the minus strand). VCF-style: chr14-75971245-G-A. GRCh37 (hg19) VCF-style: chr14-76437588-G-A.
Other names: c.527C>T, p.Pro176Leu (NM_001329938.2, NM_001329939.2); short protein forms P176L.
Identifiers: ClinVar variation 2603869 (VCV002603869.2), dbSNP rs779569139, ClinGen allele CA7280409.